The following is an entry in ClinVar:

ClinVar aggregate classification (germline): Uncertain significance. Review status: reviewed by expert panel (3 of 4 stars). 2 submissions from 2 submitters: Uncertain significance (1). 1 of the submissions does not count toward it. Last evaluated 2024-10-29.

Conditions:
Hereditary thrombocytopenia and hematologic cancer predisposition syndrome. Identifiers: Orphanet 71290, MedGen CN281654, MONDO:0011071.
Hereditary thrombocytopenia and hematological cancer predisposition syndrome associated with RUNX1. Also called: Familial thrombocytopenia with propensity to acute myelogenous leukemia; PLATELET DISORDER, ASPIRIN-LIKE; RUNX1 Familial Platelet Disorder with Associated Myeloid Malignancies; Familial Platelet Disorder with Propensity to Acute Myelogenous Leukemia. Identifiers: Orphanet 71290, MedGen C1832388, MeSH C563324, MONDO:0100083, OMIM 601399.

Allele frequency attached by ClinVar (database versions not stated): gnomAD exomes below 0.00001.

Submissions (2):

ClinGen Myeloid Malignancy Variant Curation Expert Panel
Classification: Uncertain significance for Hereditary thrombocytopenia and hematologic cancer predisposition syndrome. Last evaluated: 2024-10-29. Review status: reviewed by expert panel. Criteria: ClinGen MyeloMalig ACMG Specifications v2. Collection method: curation. Allele origin: germline. Inheritance: Autosomal dominant inheritance.
Comment: NM_001754.5(RUNX1):c.1230_1235dup (p.Ala411_Gly412dup) is an in-frame duplication of two amino acids, which does not involve any critical residues within the runt homology domain (PM4 not met). This variant is absent from gnomAD v2, v3, and v4 (PM2_supporting). It has not been reported in any patients. In summary, this variant meets the criteria to be classified as a VUS for autosomal dominant hereditary thrombocytopenia and hematologic cancer predisposition syndrome based on the ACMG/AMP criteria applied, as specified by the ClinGen Myeloid Malignancy VCEP: PM2_supporting.

Labcorp Genetics (formerly Invitae), Labcorp
Classification: Uncertain significance for Hereditary thrombocytopenia and hematological cancer predisposition syndrome associated with RUNX1. Last evaluated: 2022-08-18. Review status: criteria provided, single submitter. Criteria: Invitae Variant Classification Sherloc (09022015). Collection method: clinical testing. Allele origin: germline. Not counted in ClinVar's aggregate classification.
Comment: In summary, the available evidence is currently insufficient to determine the role of this variant in disease. Therefore, it has been classified as a Variant of Uncertain Significance. Experimental studies and prediction algorithms are not available or were not evaluated, and the functional significance of this variant is currently unknown. ClinVar contains an entry for this variant (Variation ID: 1022622). This variant has not been reported in the literature in individuals affected with RUNX1-related conditions. This variant is not present in population databases (gnomAD no frequency). This variant, c.1230_1235dup, results in the insertion of 2 amino acid(s) of the RUNX1 protein (p.Ala411_Gly412dup), but otherwise preserves the integrity of the reading frame.

NM_001754.5(RUNX1):c.1230_1235dup (p.Ala411_Gly412dup)

Gene: RUNX1 (RUNX family transcription factor 1; minus strand). Cytogenetic location: 21q22.12.
Variant type: Duplication.
Coding change: c.1230_1235dup on transcript NM_001754.5 (MANE Select); coding-DNA positions 1230 to 1235, 6 bases duplicated (GGCCGG; older notation c.1230_1235dupGGCCGG).
Protein change: p.Ala411_Gly412dup.
Molecular consequence: inframe insertion.
Genome position (GRCh38, 1-based): chr21:34,792,343-34,792,348, CCGGCC duplicated on the plus strand (GGCCGG on the coding strand, the reverse complement: RUNX1 is on the minus strand). VCF-style (leftmost placement, unchanged base first): chr21-34792342-G-GCCGGCC. GRCh37 (hg19) VCF-style: chr21-36164639-G-GCCGGCC.
Other names: NM_001754.5(RUNX1):c.1230_1235dup; p.Ala411_Gly412dup; c.1149_1154dup, p.Ala384_Gly385dup (NM_001001890.3).
Identifiers: ClinVar variation 1022622 (VCV001022622.9), dbSNP rs2056453065, ClinGen allele CA2387254395.
Genomic context (GRCh38, chr21:34,792,342, plus strand): 5'-GCAGGGCGGCAGGATGCGCGGCGGCGAGCGCTCGCCGCCCACCATGGAGAACTGGTAGGA[G>GCCGGCC]CCGGCCGAGGCGCCGTAGTACAGGTGGTAGGAGGGCGAGCTGGCTTGGAACGGGCCTCCC-3'